The following is an entry in ClinVar:

NM_024675.4(PALB2):c.167A>G (p.Asp56Gly)

Gene: PALB2 (partner and localizer of BRCA2; minus strand). Cytogenetic location: 16p12.2.
Variant type: single nucleotide variant.
Coding change: c.167A>G on transcript NM_024675.4 (MANE Select); coding-DNA position 167, A replaced by G.
Protein change: p.Asp56Gly; replaces aspartic acid 56 with glycine.
Molecular consequence: missense variant.
Genome position (GRCh38, 1-based): chr16:23,637,894, T>C on the plus strand (A>G on the coding strand, the complement: PALB2 is on the minus strand). VCF-style: chr16-23637894-T-C. GRCh37 (hg19) VCF-style: chr16-23649215-T-C.
Other names: short protein forms D56G.
Identifiers: ClinVar variation 572118 (VCV000572118.9), dbSNP rs1567223986, ClinGen allele CA395139160.
Genomic context (GRCh38, chr16:23,637,894, plus strand): 5'-AATGGTCTAGATTTACCTGAGTGTTTTAGCTGCGGTGAGAGATCCTGCTGAGACAAACAA[T>C]CTTGTTCTTCTACTGTTTTCTTAATAGAATGCTTAATCTTTTCAGCTCTTTGGGCACGCT-3'
Protein context (NP_078951.2, residues 46-66): HSIKKTVEEQ[Asp56Gly]CLSQQDLSPQ

ClinVar aggregate classification (germline): Uncertain significance (1 of 4 stars; one submission).

Conditions:
Familial cancer of breast. Also called: hereditary breast carcinoma; BREAST CANCER, FAMILIAL; Hereditary breast cancer. Identifiers: Orphanet 227535, MedGen C0346153, MONDO:0016419, OMIM 114480. Disease mechanism: loss of function.

Submission:

Labcorp Genetics (formerly Invitae), Labcorp
Classification: Uncertain significance for Familial cancer of breast. Last evaluated: 2018-06-06. Review status: criteria provided, single submitter. Criteria: Invitae Variant Classification Sherloc (09022015). Collection method: clinical testing. Allele origin: germline.
Comment: Algorithms developed to predict the effect of sequence changes on RNA splicing suggest that this variant may create or strengthen a splice site, but this prediction has not been confirmed by published transcriptional studies. This sequence change replaces aspartic acid with glycine at codon 56 of the PALB2 protein (p.Asp56Gly). The aspartic acid residue is moderately conserved and there is a moderate physicochemical difference between aspartic acid and glycine. This variant is not present in population databases (ExAC no frequency). This variant has not been reported in the literature in individuals with PALB2-related disease. Algorithms developed to predict the effect of missense changes on protein structure and function (SIFT, PolyPhen-2, Align-GVGD) all suggest that this variant is likely to be tolerated, but these predictions have not been confirmed by published functional studies and their clinical significance is uncertain. In summary, the available evidence is currently insufficient to determine the role of this variant in disease. Therefore, it has been classified as a Variant of Uncertain Significance.